The following is an entry in ClinVar:

ClinVar aggregate classification (germline): Likely benign. Review status: criteria provided, multiple submitters, no conflicts (2 of 4 stars). 2 submissions from 2 submitters: Likely benign (2). Last evaluated 2023-11-21.

Conditions:
Autosomal recessive limb-girdle muscular dystrophy type 2Q (LGMDR17). Also called: MUSCULAR DYSTROPHY, LIMB-GIRDLE, AUTOSOMAL RECESSIVE 17. Identifiers: Orphanet 254361, MedGen C3150989, MONDO:0013390, OMIM 613723.
Epidermolysis bullosa simplex with nail dystrophy (EBS5D). Identifiers: MedGen C4225309, MONDO:0014661, OMIM 616487.
Epidermolysis bullosa simplex, Ogna type (EBS5A). Also called: Pidermolysis bullosa simplex 5A, Ogna type; EPIDERMOLYSIS BULLOSA SIMPLEX 5A, OGNA TYPE. Identifiers: Orphanet 79401, MedGen C0432317, MONDO:0007555, OMIM 131950.
Epidermolysis bullosa simplex 5B, with muscular dystrophy (EBS5B). Also called: Epidermolysis bullosa simplex with muscular dystrophy; EPIDERMOLYSIS BULLOSA SIMPLEX AND LIMB-GIRDLE MUSCULAR DYSTROPHY. Identifiers: Orphanet 257, MedGen C2931072, MONDO:0009181, OMIM 226670.
Epidermolysis bullosa simplex 5C, with pyloric atresia (EBS5C). Also called: PLEC-Related Epidermolysis Bullosa with Pyloric Atresia; Epidermolysis bullosa simplex with pyloric atresia; PLEC1-Related Epidermolysis Bullosa with Pyloric Atresia. Identifiers: Orphanet 158684, MedGen C2677349, MONDO:0012807, OMIM 612138.

Allele frequency attached by ClinVar (database versions not stated): ExAC 0.00003; gnomAD 0.00005 and 0.00006; TOPMed 0.00008; ESP Exome Variant Server 0.00024; 1000 Genomes Project 0.00040; 1000 Genomes Project 30x 0.00062.
gnomAD v4.1: 18 of 1,610,954 alleles (0.0011%); highest among the groups gnomAD compares: African/African-American, 0.016%; no homozygotes.

Submissions (2):

Women's Health and Genetics/Laboratory Corporation of America, LabCorp
Classification: Likely benign. Last evaluated: 2023-11-21. Review status: criteria provided, single submitter. Criteria: LabCorp Variant Classification Summary - May 2015. Collection method: clinical testing. Allele origin: germline.
Comment: Variant summary: PLEC1 c.424-19G>C alters a non-conserved nucleotide located at a position not widely known to affect splicing. Consensus agreement among computation tools predict no significant impact on normal splicing. However, these predictions have yet to be confirmed by functional studies. The variant allele was found at a frequency of 3.6e-05 in 279206 control chromosomes. To our knowledge, no occurrence of c.424-19G>C in individuals affected with PLEC1-Related Disorders and no experimental evidence demonstrating its impact on protein function have been reported. One submitter has cited clinical-significance assessments for this variant to ClinVar after 2014 and has classified the variant as likely benign. Based on the evidence outlined above, the variant was classified as likely benign.

Labcorp Genetics (formerly Invitae), Labcorp
Classification: Likely benign for Autosomal recessive limb-girdle muscular dystrophy type 2Q; Epidermolysis bullosa simplex, Ogna type; Epidermolysis bullosa simplex with nail dystrophy; Epidermolysis bullosa simplex 5C, with pyloric atresia; Epidermolysis bullosa simplex 5B, with muscular dystrophy. Last evaluated: 2022-12-24. Review status: criteria provided, single submitter. Criteria: Invitae Variant Classification Sherloc (09022015). Collection method: clinical testing. Allele origin: germline.

NM_201384.3(PLEC):c.343-19G>C

Gene: PLEC (plectin; minus strand). Cytogenetic location: 8q24.3.
Variant type: single nucleotide variant.
Coding change: c.343-19G>C on transcript NM_201384.3 (MANE Select); 19 bases into the intron before coding-DNA position 343, G replaced by C.
Molecular consequence: intron variant.
Genome position (GRCh38, 1-based): chr8:143,937,090, C>G on the plus strand (G>C on the coding strand, the complement: PLEC is on the minus strand). VCF-style: chr8-143937090-C-G. GRCh37 (hg19) VCF-style: chr8-145011258-C-G.
Other names: c.424-19G>C (NM_000445.5); c.301-19G>C (NM_201378.4); c.277-19G>C (NM_201379.3); c.754-19G>C (NM_201380.4); c.247-19G>C (NM_201381.3); c.343-19G>C (NM_201382.4); c.355-19G>C (NM_201383.3).
Identifiers: ClinVar variation 1641731 (VCV001641731.9), dbSNP rs199908161, ClinGen allele CA4928473.